The following is an entry in ClinVar:

NM_001035.3(RYR2):c.10039dup (p.Asp3347fs)

Gene: RYR2 (ryanodine receptor 2; plus strand). Cytogenetic location: 1q43.
Variant type: Duplication.
Coding change: c.10039dup on transcript NM_001035.3 (MANE Select); coding-DNA position 10039, one base duplicated (G; older notation c.10039dupG).
Protein change: p.Asp3347fs; shifts the reading frame from aspartic acid 3347.
Molecular consequence: frameshift variant.
Genome position (GRCh38, 1-based): chr1:237,708,995, G duplicated; the last of 6 consecutive G bases (chr1:237,708,990-237,708,995); duplicating any one gives the same sequence. VCF-style (leftmost placement, unchanged base first): chr1-237708989-A-AG. GRCh37 (hg19) VCF-style: chr1-237872289-A-AG.
Other names: short protein forms D3347fs.
Identifiers: ClinVar variation 3660475 (VCV003660475.2).

ClinVar aggregate classification (germline): Uncertain significance (1 of 4 stars; one submission).

Conditions:
Catecholaminergic polymorphic ventricular tachycardia 1. Also called: VENTRICULAR TACHYCARDIA, CATECHOLAMINERGIC POLYMORPHIC, 1, WITH OR WITHOUT ATRIAL DYSFUNCTION AND/OR DILATED CARDIOMYOPATHY; RYR2-Related Catecholaminergic Polymorphic Ventricular Tachycardia; VENTRICULAR TACHYCARDIA, STRESS-INDUCED POLYMORPHIC 1. Identifiers: Orphanet 3286, MedGen C1631597, MONDO:0011484, OMIM 604772.

Submission:

Labcorp Genetics (formerly Invitae), Labcorp
Classification: Uncertain significance for Catecholaminergic polymorphic ventricular tachycardia 1. Last evaluated: 2024-07-24. Review status: criteria provided, single submitter. Criteria: Invitae Variant Classification Sherloc (09022015). Collection method: clinical testing. Allele origin: germline.
Comment: This sequence change creates a premature translational stop signal (p.Asp3347Glyfs*12) in the RYR2 gene. It is expected to result in an absent or disrupted protein product. However, the current clinical and genetic evidence is not sufficient to establish whether loss-of-function variants in RYR2 cause disease. This variant is not present in population databases (gnomAD no frequency). This variant has not been reported in the literature in individuals affected with RYR2-related conditions. In summary, the available evidence is currently insufficient to determine the role of this variant in disease. Therefore, it has been classified as a Variant of Uncertain Significance.